The following is an entry in ClinVar:

ClinVar aggregate classification (germline): Pathogenic (1 of 4 stars; one submission).

Conditions:
Charcot-Marie-Tooth disease type 4. Also called: Charcot-Marie-Tooth, Type 4; Charcot-Marie-Tooth disease, type IV. Identifiers: Orphanet 64749, MedGen C4082197, MONDO:0018995.

Submission:

Labcorp Genetics (formerly Invitae), Labcorp
Classification: Pathogenic for Charcot-Marie-Tooth disease type 4. Last evaluated: 2024-03-24. Review status: criteria provided, single submitter. Criteria: Invitae Variant Classification Sherloc (09022015). Collection method: clinical testing. Allele origin: germline.
Comment: This sequence change creates a premature translational stop signal (p.Arg1020Glyfs*19) in the PRX gene. While this is not anticipated to result in nonsense mediated decay, it is expected to disrupt the last 442 amino acid(s) of the PRX protein. This variant is present in population databases (no rsID available, gnomAD 0.007%). This variant has not been reported in the literature in individuals affected with PRX-related conditions. ClinVar contains an entry for this variant (Variation ID: 1908695). This variant disrupts a region of the PRX protein in which other variant(s) (p.Arg1070*) have been determined to be pathogenic (PMID: 15197604, 15469949, 16770524, 22847150, 26059842). This suggests that this is a clinically significant region of the protein, and that variants that disrupt it are likely to be disease-causing. For these reasons, this variant has been classified as Pathogenic.

Literature cited by the submitters: PubMed 15197604; PubMed 15469949; PubMed 16770524; PubMed 22847150; PubMed 26059842.

NM_181882.3(PRX):c.3054del (p.Arg1020fs)

Gene: PRX (periaxin; minus strand). Cytogenetic location: 19q13.2.
Variant type: Deletion.
Coding change: c.3054del on transcript NM_181882.3 (MANE Select); coding-DNA position 3054, one base deleted (G; older notation c.3054delG).
Protein change: p.Arg1020fs; shifts the reading frame from arginine 1020.
Molecular consequence: frameshift variant. On other transcripts: 3 prime UTR variant (1).
Genome position (GRCh38, 1-based): chr19:40,395,298, C deleted on the plus strand (G on the coding strand, the reverse complement: PRX is on the minus strand); the first of 4 consecutive C bases (chr19:40,395,298-40,395,301); deleting any one gives the same sequence. VCF-style (leftmost placement, unchanged base first): chr19-40395297-GC-G. GRCh37 (hg19) VCF-style: chr19-40901204-GC-G.
Other names: c.3336delG, p.Arg1115Glyfs (NM_001411127.1); c.*3259del (NM_020956.2); short protein forms R1020fs.
Identifiers: ClinVar variation 1908695 (VCV001908695.5), dbSNP rs1210940629, ClinGen allele CA633466287.